The following is an entry in ClinVar:

ClinVar aggregate classification (germline): Uncertain significance. Review status: criteria provided, multiple submitters, no conflicts (2 of 4 stars). 2 submissions from 2 submitters: Uncertain significance (2). Last evaluated 2024-05-13.

Conditions:
Hearing impairment. Also called: Impaired Hearing. Identifiers: MedGen C1384666, MONDO:0005365, HP:0000365.

Allele frequency attached by ClinVar (database versions not stated): gnomAD 0.00002; ExAC 0.00003; gnomAD exomes 0.00003; TOPMed 0.00003.
gnomAD v4.1: 49 of 1,611,094 alleles (0.003%); highest among the groups gnomAD compares: East Asian, 0.0045%; no homozygotes.

Submissions (2):

Blueprint Genetics
Classification: Uncertain significance. Last evaluated: 2024-05-13. Review status: criteria provided, single submitter. Criteria: ACMG Guidelines, 2015. Collection method: clinical testing. Allele origin: germline.

Department of Otolaryngology – Head & Neck Surgery, Cochlear Implant Center
Classification: Uncertain significance for Hearing impairment. Last evaluated: 2021-04-12. Review status: criteria provided, single submitter. Criteria: ClinGen HL ACMG Specifications v1. Collection method: clinical testing. Allele origin: germline. Affected: yes.
Comment: PM2_Moderate, PP3_Supporting

NM_133261.3(GIPC3):c.880G>A (p.Asp294Asn)

Gene: GIPC3 (GIPC PDZ domain containing family member 3; plus strand). Cytogenetic location: 19p13.3.
Variant type: single nucleotide variant.
Coding change: c.880G>A on transcript NM_133261.3 (MANE Select); coding-DNA position 880, G replaced by A.
Protein change: p.Asp294Asn; replaces aspartic acid 294 with asparagine.
Molecular consequence: missense variant.
Genome position (GRCh38, 1-based): chr19:3,590,131, G>A. VCF-style: chr19-3590131-G-A. GRCh37 (hg19) VCF-style: chr19-3590129-G-A.
Other names: short protein forms D294N.
Identifiers: ClinVar variation 1065094 (VCV001065094.4), dbSNP rs779309926, ClinGen allele CA9080624.
Genomic context (GRCh38, chr19:3,590,131, plus strand): 5'-GCGAGCGCCCAGGAGTTTGCACGCTGTTTAGACTCCGTCTTGGGCGAGTTCGCCTTCCCC[G>A]ACGAGTTTGTGGTGGAAGTGTGGGCCGCCATCGGCGAGGCCAGAGAGGCCTGTGGCTAGT-3'
Protein context (NP_573568.1, residues 284-304): DSVLGEFAFP[Asp294Asn]EFVVEVWAAI